The following is an entry in ClinVar:

NM_001061.7(TBXAS1):c.1394G>A (p.Arg465Gln)

Gene: TBXAS1 (thromboxane A synthase 1; plus strand). Cytogenetic location: 7q34.
Variant type: single nucleotide variant.
Coding change: c.1394G>A on transcript NM_001061.7 (MANE Select); coding-DNA position 1394, G replaced by A.
Protein change: p.Arg465Gln; replaces arginine 465 with glutamine.
Molecular consequence: missense variant. On other transcripts: intron variant (1).
Genome position (GRCh38, 1-based): chr7:140,017,700, G>A. VCF-style: chr7-140017700-G-A. GRCh37 (hg19) VCF-style: chr7-139717500-G-A.
Other names: p.Arg465Gln; c.1394G>A, p.Arg465Gln (NM_001130966.5); c.1532G>A, p.Arg511Gln (NM_001166253.4); c.1193G>A, p.Arg398Gln (NM_001166254.4); c.1337G>A, p.Arg446Gln (NM_001314028.4); c.1211G>A, p.Arg404Gln (NM_001366537.3); c.1364+1840G>A (NM_030984.6); c.1394G>A (NM_001061.6); short protein forms R398Q, R511Q, R465Q, R404Q, R446Q.
Identifiers: ClinVar variation 596868 (VCV000596868.22), dbSNP rs41311778, ClinGen allele CA4512034.

ClinVar aggregate classification (germline): Conflicting classifications of pathogenicity. Review status: criteria provided, conflicting classifications (1 of 4 stars). 10 submissions from 10 submitters: Uncertain significance (1); Likely benign (5). 4 of the submissions do not count toward it. Last evaluated 2026-08-01.

Conditions:
TBXAS1-related disorder. Also called: TBXAS1-related condition.

Allele frequency attached by ClinVar (database versions not stated): ESP Exome Variant Server 0.00108; gnomAD 0.00121; TOPMed 0.00127; 1000 Genomes Project 0.00140; 1000 Genomes Project 30x 0.00156; ExAC 0.00199.
gnomAD v4.1: 2,198 of 1,613,650 alleles (0.14%); highest among the groups gnomAD compares: Middle Eastern, 0.9%; 3 homozygotes.

Submissions (10):

CeGaT Center for Human Genetics Tuebingen
Classification: Likely benign. Last evaluated: 2026-08-01. Review status: criteria provided, single submitter. Criteria: CeGaT Center For Human Genetics Tuebingen Variant Classification Criteria Version 2. Collection method: clinical testing. Allele origin: germline. Affected: yes. Observed: 1 variant allele.
Comment: TBXAS1: BP4

Labcorp Genetics (formerly Invitae), Labcorp
Classification: Likely benign. Last evaluated: 2026-01-12. Review status: criteria provided, single submitter. Criteria: Invitae Variant Classification Sherloc (09022015). Collection method: clinical testing. Allele origin: germline.

Mayo Clinic Laboratories, Mayo Clinic
Classification: Likely benign. Last evaluated: 2025-09-30. Review status: criteria provided, single submitter. Criteria: ACMG Guidelines, 2015. Collection method: clinical testing. Allele origin: germline. Observed: 1 variant allele.
Comment: BS1, BP4_moderate

Blueprint Genetics
Classification: Likely benign. Last evaluated: 2024-11-14. Review status: criteria provided, single submitter. Criteria: ACMG Guidelines, 2015. Collection method: clinical testing. Allele origin: germline.

Women's Health and Genetics/Laboratory Corporation of America, LabCorp
Classification: Likely benign. Last evaluated: 2024-09-19. Review status: criteria provided, single submitter. Criteria: LabCorp Variant Classification Summary - May 2015. Collection method: clinical testing. Allele origin: germline.
Comment: Variant summary: TBXAS1 c.1394G>A (p.Arg465Gln) results in a conservative amino acid change in the encoded protein sequence. Five of five in-silico tools predict a benign effect of the variant on protein function. The variant allele was found at a frequency of 0.0013 in 1606868 control chromosomes in the gnomAD database (v4.1 dataset), including 3 homozygotes. The variant, c.1394G>A has been reported in the literature in a small case-control study, where authors proposed a possible association between the variant and risk for cerebrovascular disease (Kimouli_2009). These report(s) do not provide unequivocal conclusions about association of the variant with Ghosal Hematodiaphyseal Dysplasia. To our knowledge, no experimental evidence demonstrating an impact on protein function has been reported. The following publication have been ascertained in the context of this evaluation (PMID: 19114962). ClinVar contains an entry for this variant (Variation ID: 596868). Based on the evidence outlined above, the variant was classified as likely benign.

Eurofins Ntd Llc (ga)
Classification: Uncertain significance. Last evaluated: 2018-05-02. Review status: criteria provided, single submitter. Criteria: EGL ClinVar v180209 classification definitions. Collection method: clinical testing. Allele origin: germline. Observed: 1 variant allele, 1 heterozygote.

PreventionGenetics, part of Exact Sciences
Classification: Likely benign for TBXAS1-related condition. Last evaluated: 2024-03-19. Review status: no assertion criteria provided. Collection method: clinical testing. Allele origin: germline. Not counted in ClinVar's aggregate classification.
Comment: This variant is classified as likely benign based on ACMG/AMP sequence variant interpretation guidelines (Richards et al. 2015 PMID: 25741868, with internal and published modifications).

Clinical Genetics DNA and cytogenetics Diagnostics Lab, Erasmus MC, Erasmus Medical Center
Classification: Likely benign. Review status: no assertion criteria provided. Collection method: clinical testing. Allele origin: germline. Affected: yes. Study: VKGL Data-share Consensus. Not counted in ClinVar's aggregate classification.

Genome Diagnostics Laboratory, University Medical Center Utrecht
Classification: Likely benign. Review status: no assertion criteria provided. Collection method: clinical testing. Allele origin: germline. Affected: yes. Study: VKGL Data-share Consensus. Not counted in ClinVar's aggregate classification.

Laboratory of Diagnostic Genome Analysis, Leiden University Medical Center (LUMC)
Classification: Likely benign. Review status: no assertion criteria provided. Collection method: clinical testing. Allele origin: germline. Affected: yes. Study: VKGL Data-share Consensus. Not counted in ClinVar's aggregate classification.

Literature cited by the submitters: PubMed 19114962 (cited by Women's Health and Genetics/Laboratory Corporation of America, LabCorp).